The following is an entry in ClinVar:

ClinVar aggregate classification (germline): Uncertain significance (1 of 4 stars; one submission).

Conditions:
Inborn genetic diseases. Identifiers: MedGen C0950123, MeSH D030342.

Submission:

Ambry Genetics
Classification: Uncertain significance for Inborn genetic diseases. Last evaluated: 2024-12-04. Review status: criteria provided, single submitter. Criteria: Ambry Variant Classification Scheme 2023. Collection method: clinical testing. Allele origin: germline.
Comment: The p.D241G variant (also known as c.722A>G), located in coding exon 1 of the SAMD9 gene, results from an A to G substitution at nucleotide position 722. The aspartic acid at codon 241 is replaced by glycine, an amino acid with similar properties. This amino acid position is conserved. In addition, this alteration is predicted to be tolerated by in silico analysis. Based on the available evidence, the clinical significance of this variant remains unclear.

NM_017654.4(SAMD9):c.722A>G (p.Asp241Gly)

Gene: SAMD9 (sterile alpha motif domain containing 9; minus strand). Cytogenetic location: 7q21.2.
Variant type: single nucleotide variant.
Coding change: c.722A>G on transcript NM_017654.4 (MANE Select); coding-DNA position 722, A replaced by G.
Protein change: p.Asp241Gly; replaces aspartic acid 241 with glycine.
Molecular consequence: missense variant.
Genome position (GRCh38, 1-based): chr7:93,105,376, T>C on the plus strand (A>G on the coding strand, the complement: SAMD9 is on the minus strand). VCF-style: chr7-93105376-T-C. GRCh37 (hg19) VCF-style: chr7-92734689-T-C.
Other names: c.722A>G, p.Asp241Gly (NM_001193307.2); short protein forms D241G.
Identifiers: ClinVar variation 3437080 (VCV003437080.1).